The following is an entry in ClinVar:

NM_024675.4(PALB2):c.560del (p.Pro187fs)

Gene: PALB2 (partner and localizer of BRCA2; minus strand). Cytogenetic location: 16p12.2.
Variant type: Deletion.
Coding change: c.560del on transcript NM_024675.4 (MANE Select); coding-DNA position 560, one base deleted (C; older notation c.560delC).
Protein change: p.Pro187fs; shifts the reading frame from proline 187.
Molecular consequence: frameshift variant.
Genome position (GRCh38, 1-based): chr16:23,635,986, G deleted on the plus strand (C on the coding strand, the reverse complement: PALB2 is on the minus strand); the first of 2 consecutive G bases (chr16:23,635,986-23,635,987); deleting either gives the same sequence. VCF-style (leftmost placement, unchanged base first): chr16-23635985-AG-A. GRCh37 (hg19) VCF-style: chr16-23647306-AG-A.
Other names: short protein forms P187fs.
Identifiers: ClinVar variation 830108 (VCV000830108.1), dbSNP rs1967038226, ClinGen allele CA916081827.

ClinVar aggregate classification (germline): Pathogenic (0 of 4 stars; one submission).

Submission:

Leiden Open Variation Database
Classification: Pathogenic. Last evaluated: 2018-10-10. Review status: no assertion criteria provided. Collection method: curation. Allele origin: germline. Affected: yes.
Comment: Curators: Marc Tischkowitz, Arleen D. Auerbach. Submitter to LOVD: Yukihide Momozawa.

Literature cited by the submitters: PubMed 30287823.